The following is an entry in ClinVar:

ClinVar aggregate classification (germline): Benign. Review status: reviewed by expert panel (3 of 4 stars). 11 submissions from 11 submitters: Benign (1). 10 of the submissions do not count toward it. Last evaluated 2023-09-25.

Conditions:
CDH1-related disorder. Also called: CDH1-related condition.
CDH1-related diffuse gastric and lobular breast cancer syndrome. Also called: CDH1-related diffuse gastric and lobular breast cancer. Identifiers: MedGen CN311521, MONDO:0100488.
Hereditary cancer-predisposing syndrome. Also called: Tumor predisposition; Hereditary Cancer Syndrome; Hereditary neoplastic syndrome; Neoplastic Syndromes, Hereditary. Identifiers: Orphanet 140162, MedGen C0027672, MeSH D009386, MONDO:0015356.
Hereditary breast ovarian cancer syndrome. Also called: Breast and ovarian cancer; Hereditary breast and ovarian cancer syndrome; Hereditary breast and ovarian cancer; BRCA1- and BRCA2-Associated Hereditary Breast and Ovarian Cancer; Hereditary breast and ovarian cancer syndrome (HBOC); Hereditary breast and/or ovarian cancer syndrome. Identifiers: Orphanet 145, MedGen C0677776, MeSH D061325, MONDO:0003582. Disease mechanism: loss of function.
Hereditary diffuse gastric adenocarcinoma (HDGC). Also called: DIFFUSE GASTRIC AND LOBULAR BREAST CANCER SYNDROME. Identifiers: Orphanet 26106, MedGen C1708349, MONDO:0007648, OMIM 137215.
Malignant tumor of breast. Also called: Cancer breast; Malignant breast neoplasm. Identifiers: MedGen C0006142, MONDO:0007254. Disease mechanism: loss of function.

Allele frequency attached by ClinVar (database versions not stated): gnomAD 0.00001 and 0.00004; TOPMed 0.00004; gnomAD exomes 0.00005 and 0.00009; ExAC 0.00012; 1000 Genomes Project 30x 0.00031; 1000 Genomes Project 0.00040.
gnomAD v4.1: 86 of 1,613,712 alleles (0.0053%); highest among the groups gnomAD compares: East Asian, 0.16%; no homozygotes.

Submissions (11):

Clingen Gastric Cancer Variant Curation Expert Panel
Classification: Benign for CDH1-related diffuse gastric and lobular breast cancer syndrome. Last evaluated: 2023-09-25. Review status: reviewed by expert panel. Criteria: ClinGen CDH1 ACMG Specifications V3.1. Collection method: curation. Allele origin: germline. Inheritance: Autosomal dominant inheritance.
Comment: The c.2638G>A (p.Glu880Lys) variant results in a missense change in the last exon of CDH1. This variant has been reported in at least five individuals meeting criteria for HDGC (PMID: 28522256, 32426482, 34537906, 32241597). However, this variant is present at a maximum frequency of 0.001153 (6 of 5,204 alleles) in the East Asian subpopulation in gnomAD, which is greater than expected for CDH1-related diffuse gastric and lobular breast cancer (BS1). This variant has also been observed in 112 individuals without DGC, LBC or SRC tumours and whose families do not suggest HDGC (BS2; internal laboratory contributors). In summary, this variant is classified as benign based on ACMG/AMP criteria applied as specified by the CDH1 Variant Curation Expert Panel: BS1, BS2.

Labcorp Genetics (formerly Invitae), Labcorp
Classification: Likely benign for Hereditary diffuse gastric adenocarcinoma. Last evaluated: 2026-01-13. Review status: criteria provided, single submitter. Criteria: Invitae Variant Classification Sherloc (09022015). Collection method: clinical testing. Allele origin: germline. Not counted in ClinVar's aggregate classification.

Women's Health and Genetics/Laboratory Corporation of America, LabCorp
Classification: Benign. Last evaluated: 2023-08-07. Review status: criteria provided, single submitter. Criteria: LabCorp Variant Classification Summary - May 2015. Collection method: clinical testing. Allele origin: germline. Not counted in ClinVar's aggregate classification.
Comment: Variant summary: CDH1 c.2638G>A (p.Glu880Lys) results in a conservative amino acid change in the encoded protein sequence. Three of five in-silico tools predict a damaging effect of the variant on protein function. The variant allele was found at a frequency of 0.00036 in 276380 control chromosomes, predominantly at a frequency of 0.00087 within the East Asian subpopulation in the gnomAD database. The observed variant frequency within East Asian control individuals in the gnomAD database is approximately 30-fold of the estimated maximal expected allele frequency for a pathogenic variant in CDH1 causing Hereditary Diffuse Gastric Cancer phenotype (2.8e-05), strongly suggesting that the variant is a benign polymorphism found primarily in populations of East Asian origin. c.2638G>A has been reported in the literature in individuals affected with cancer, including diffuse gastric cancer, breast cancer, pancreatic ductal adenocarcinoma and colorectal cancer as well as in unaffected controls (example, Momozawa_2018, Cho_2017, Mandelker_2017, Yurgelun_2017, Ohmoto_2016, Choi_2020, Pan_2022). Additionally, three large-scale case-control studies suggest the carrier frequency of this variant is no different as in the breast cancer cohort, the biliary tract cancer cohort and the Hereditary Colorectal Cancer, respectively (example, Momozawa_2018, Fujita_2020, Okawa_2023). At-least one co-occurrence with another pathogenic variant(s) has been observed at our laboratory (PTEN c.423delT, p.Arg142GlyfsX5), providing supporting evidence for a benign role. At least one publication reports experimental evidence evaluating an impact on protein function. These results showed no damaging effect of this variant through usage of slow aggregation assays demonstrating that cells overexpressing the variant of interest aggregated as efficiently as did wild-type CDH1-overexpressing cells (Cho_2017). The following publications have been ascertained in the context of this evaluation (PMID: 32241597, 26692440, 33309985, 28873162, 30287823, 28522256, 34537906, 28135145, 36243179). Seven submitters have cited clinical-significance assessments for this variant to ClinVar after 2014 with a predominant consensus classification of benign/likely benign (Benign, n=1; likely benign, n=4; VUS, n=2). Based on the evidence outlined above, the variant was classified as benign.

Ambry Genetics
Classification: Likely benign for Hereditary cancer-predisposing syndrome. Last evaluated: 2021-11-15. Review status: criteria provided, single submitter. Criteria: Ambry Variant Classification Scheme 2023. Collection method: clinical testing. Allele origin: germline. Not counted in ClinVar's aggregate classification.

Sema4
Classification: Likely benign for Hereditary cancer-predisposing syndrome. Last evaluated: 2021-07-16. Review status: criteria provided, single submitter. Criteria: Sema4 Curation Guidelines. Collection method: curation. Allele origin: germline. Not counted in ClinVar's aggregate classification.

Color Diagnostics, LLC DBA Color Health
Classification: Benign for Hereditary cancer-predisposing syndrome. Last evaluated: 2021-01-13. Review status: criteria provided, single submitter. Criteria: ACMG Guidelines, 2015. Collection method: clinical testing. Allele origin: germline. Not counted in ClinVar's aggregate classification.

GeneDx
Classification: Likely benign. Last evaluated: 2019-10-15. Review status: criteria provided, single submitter. Criteria: GeneDx Variant Classification Process June 2021. Collection method: clinical testing. Allele origin: germline. Affected: yes. Not counted in ClinVar's aggregate classification.
Comment: In silico analysis, which includes protein predictors and evolutionary conservation, supports a deleterious effect; This variant is associated with the following publications: (PMID: 32426482, 28522256, 30287823, 28135145)

Mendelics
Classification: Uncertain significance for Hereditary diffuse gastric adenocarcinoma. Last evaluated: 2019-05-28. Review status: criteria provided, single submitter. Criteria: Mendelics Assertion Criteria 2017. Collection method: clinical testing. Allele origin: unknown. Not counted in ClinVar's aggregate classification.

Cancer Genomics Group, Japanese Foundation For Cancer Research
Classification: Uncertain significance for Hereditary breast and ovarian cancer syndrome. Last evaluated: 2019-05-01. Review status: criteria provided, single submitter. Criteria: ACMG Guidelines, 2015. Collection method: research. Allele origin: germline. Affected: yes. Not counted in ClinVar's aggregate classification.

PreventionGenetics, part of Exact Sciences
Classification: Likely benign for CDH1-related condition. Last evaluated: 2022-11-21. Review status: no assertion criteria provided. Collection method: clinical testing. Allele origin: germline. Not counted in ClinVar's aggregate classification.
Comment: This variant is classified as likely benign based on ACMG/AMP sequence variant interpretation guidelines (Richards et al. 2015 PMID: 25741868, with internal and published modifications).

Department of Pathology and Laboratory Medicine, Sinai Health System
Classification: Uncertain significance for Malignant tumor of breast. Review status: no assertion criteria provided. Collection method: clinical testing. Allele origin: unknown. Affected: yes. Study: The Canadian Open Genetics Repository (COGR). Not counted in ClinVar's aggregate classification.
Comment: The CDH1 p.Glu880Lys variant was identified in 2 of 160 proband chromosomes (frequency: 0.0125) from individuals or families with sporadic diffuse gastric cancer (Cho 2017). The variant was identified in dbSNP (rs34507583) as â€šÃ„Ãºwith uncertain significance alleleâ€šÃ„Ã¹ and ClinVar (classified as uncertain significance by Color, Ambry Genetics and GeneDx and likely benign by Invitae). The variant was identified in control databases in 22 of 251,400 chromosomes at a frequency of 0.00009 increasing the likelihood this could be a low frequency benign variant (Genome Aggregation Database Feb 27, 2017). The variant was observed in the following populations: East Asian in 16 of 18,394 chromosomes (freq: 0.0009), Latino in 4 of 34,592 chromosomes (freq: 0.0001), South Asian in 1 of 30,616 chromosomes (freq: 0.00003), European in 1 of 113,700 chromosomes (freq: 0.000009), while the variant was not observed in the African, Ashkenazi Jewish, Finnish and Other populations. In one study, in vitro expression of the variant had no observed effect on cell aggregation (Cho 2017) The p.Glu880 residue is conserved in mammals and computational analyses (PolyPhen-2, SIFT, AlignGVGD, BLOSUM, MutationTaster) provide inconsistent predictions regarding the impact to the protein; this information is not very predictive of pathogenicity. The variant occurs outside of the splicing consensus sequence and 1 of 4 in silico or computational prediction software programs (SpliceSiteFinder, MaxEntScan, NNSPLICE, GeneSplicer) predict a greater than 10% difference in splicing; this is not very predictive of pathogenicity. In summary, based on the above information the clinical significance of this variant cannot be determined with certainty at this time. This variant is classified as a variant of uncertain significance.

Literature cited by the submitters: PubMed 26692440 (cited by Women's Health and Genetics/Laboratory Corporation of America, LabCorp and Ambry Genetics); PubMed 28135145 (cited by Women's Health and Genetics/Laboratory Corporation of America, LabCorp and Ambry Genetics); PubMed 28873162 (cited by Women's Health and Genetics/Laboratory Corporation of America, LabCorp); PubMed 30287823 (cited by Women's Health and Genetics/Laboratory Corporation of America, LabCorp and Ambry Genetics); PubMed 28522256 (cited by Women's Health and Genetics/Laboratory Corporation of America, LabCorp and Ambry Genetics); PubMed 33309985 (cited by Women's Health and Genetics/Laboratory Corporation of America, LabCorp); PubMed 32241597 (cited by Women's Health and Genetics/Laboratory Corporation of America, LabCorp and Ambry Genetics); PubMed 36243179 (cited by Women's Health and Genetics/Laboratory Corporation of America, LabCorp); PubMed 34537906 (cited by Women's Health and Genetics/Laboratory Corporation of America, LabCorp).

NM_004360.5(CDH1):c.2638G>A (p.Glu880Lys)

Gene: CDH1 (cadherin 1; plus strand). Cytogenetic location: 16q22.1.
Variant type: single nucleotide variant.
Coding change: c.2638G>A on transcript NM_004360.5 (MANE Select); coding-DNA position 2638, G replaced by A.
Protein change: p.Glu880Lys; replaces glutamic acid 880 with lysine.
Molecular consequence: missense variant.
Genome position (GRCh38, 1-based): chr16:68,833,488, G>A. VCF-style: chr16-68833488-G-A. GRCh37 (hg19) VCF-style: chr16-68867391-G-A.
Other names: NM_004360.5(CDH1):c.2638G>A; c.2638G>A (LRG_301t1); c.2455G>A, p.Glu819Lys (NM_001317184.2); c.1090G>A, p.Glu364Lys (NM_001317185.2); c.673G>A, p.Glu225Lys (NM_001317186.2); short protein forms E880K, E225K, E364K, E819K.
Identifiers: ClinVar variation 184838 (VCV000184838.33), dbSNP rs34507583, ClinGen allele CA190198.